The following is an entry in ClinVar:

ClinVar aggregate classification (germline): Uncertain significance (1 of 4 stars; one submission).

gnomAD v4.1: 1 of 1,614,226 alleles (0.000062%); highest among the groups gnomAD compares: South Asian, 0.0011%; no homozygotes.

Submission:

CeGaT Center for Human Genetics Tuebingen
Classification: Uncertain significance. Last evaluated: 2023-07-01. Review status: criteria provided, single submitter. Criteria: CeGaT Center For Human Genetics Tuebingen Variant Classification Criteria Version 2. Collection method: clinical testing. Allele origin: germline. Affected: yes. Observed: 1 variant allele.
Comment: PLCG2: PM2, BP4

NM_002661.5(PLCG2):c.95G>A (p.Ser32Asn)

Gene: PLCG2 (phospholipase C gamma 2; plus strand). Cytogenetic location: 16q23.3.
Variant type: single nucleotide variant.
Coding change: c.95G>A on transcript NM_002661.5 (MANE Select); coding-DNA position 95, G replaced by A.
Protein change: p.Ser32Asn; replaces serine 32 with asparagine.
Molecular consequence: missense variant.
Genome position (GRCh38, 1-based): chr16:81,786,084, G>A. VCF-style: chr16-81786084-G-A. GRCh37 (hg19) VCF-style: chr16-81819689-G-A.
Other names: short protein forms S32N.
Identifiers: ClinVar variation 2578770 (VCV002578770.25), dbSNP rs1238219389, ClinGen allele CA396895456.
Genomic context (GRCh38, chr16:81,786,084, plus strand): 5'-AATATGAGAAGAGCCAGATCAAGAGAGCCCTGGAGCTGGGGACGGTGATGACTGTGTTCA[G>A]CTTCCGCAAGTCCACCCCCGAGCGGAGAACCGTCCAGGTGATCATGGAGACGCGGCAGGT-3'
Protein context (NP_002652.2, residues 22-42): LELGTVMTVF[Ser32Asn]FRKSTPERRT